The following is an entry in ClinVar:

ClinVar aggregate classification (germline): Uncertain significance. Review status: criteria provided, multiple submitters, no conflicts (2 of 4 stars). 2 submissions from 2 submitters: Uncertain significance (2). Last evaluated 2024-02-20.

Conditions:
Polydactyly, postaxial, type A1. Identifiers: MedGen C4282400, MONDO:0008266, OMIM 174200.
Polysyndactyly 4. Also called: Polysyndactyly uncomplicated; Preaxial polydactyly 4. Identifiers: Orphanet 93338, MedGen C1868111, MONDO:0008272, OMIM 174700.
Pallister-Hall syndrome (PHS). Also called: HYPOTHALAMIC HAMARTOBLASTOMA, HYPOPITUITARISM, IMPERFORATE ANUS, AND POSTAXIAL POLYDACTYLY; GLI3-Related Pallister-Hall Syndrome. Identifiers: Orphanet 672, MedGen C0265220, MONDO:0007804, OMIM 146510.
Greig cephalopolysyndactyly syndrome (GCPS). Also called: POLYSYNDACTYLY WITH PECULIAR SKULL SHAPE; Greig syndrome; GLI3-Related Greig Cephalopolysyndactyly Syndrome. Identifiers: Orphanet 380, MedGen C0265306, MONDO:0008287, OMIM 175700.

Allele frequency attached by ClinVar (database versions not stated): gnomAD exomes below 0.00001; gnomAD 0.00001.
gnomAD v4.1: 5 of 1,614,038 alleles (0.00031%); highest among the groups gnomAD compares: African/African-American, 0.0013%; no homozygotes.

Submissions (2):

Fulgent Genetics
Classification: Uncertain significance for Pallister-Hall syndrome; Polydactyly, postaxial, type A1; Polysyndactyly 4; Greig cephalopolysyndactyly syndrome. Last evaluated: 2024-02-20. Review status: criteria provided, single submitter. Criteria: ACMG Guidelines, 2015. Collection method: clinical testing. Allele origin: germline.

Labcorp Genetics (formerly Invitae), Labcorp
Classification: Uncertain significance for Pallister-Hall syndrome; Greig cephalopolysyndactyly syndrome. Last evaluated: 2022-09-30. Review status: criteria provided, single submitter. Criteria: Invitae Variant Classification Sherloc (09022015). Collection method: clinical testing. Allele origin: germline.
Comment: This sequence change replaces leucine, which is neutral and non-polar, with valine, which is neutral and non-polar, at codon 1523 of the GLI3 protein (p.Leu1523Val). In summary, the available evidence is currently insufficient to determine the role of this variant in disease. Therefore, it has been classified as a Variant of Uncertain Significance. Advanced modeling of protein sequence and biophysical properties (such as structural, functional, and spatial information, amino acid conservation, physicochemical variation, residue mobility, and thermodynamic stability) has been performed at Invitae for this missense variant, however the output from this modeling did not meet the statistical confidence thresholds required to predict the impact of this variant on GLI3 protein function. This variant has not been reported in the literature in individuals affected with GLI3-related conditions. This variant is not present in population databases (gnomAD no frequency).

NM_000168.6(GLI3):c.4567C>G (p.Leu1523Val)

Gene: GLI3 (GLI family zinc finger 3; minus strand). Cytogenetic location: 7p14.1.
Variant type: single nucleotide variant.
Coding change: c.4567C>G on transcript NM_000168.6 (MANE Select); coding-DNA position 4567, C replaced by G.
Protein change: p.Leu1523Val; replaces leucine 1523 with valine.
Molecular consequence: missense variant.
Genome position (GRCh38, 1-based): chr7:41,964,506, G>C on the plus strand (C>G on the coding strand, the complement: GLI3 is on the minus strand). VCF-style: chr7-41964506-G-C. GRCh37 (hg19) VCF-style: chr7-42004104-G-C.
Other names: short protein forms L1523V.
Identifiers: ClinVar variation 2190544 (VCV002190544.5), dbSNP rs1025821723, ClinGen allele CA156901783.